The following is an entry in ClinVar:

NM_032043.3(BRIP1):c.1469del (p.Leu490fs)

Gene: BRIP1 (BRCA1 interacting DNA helicase 1; minus strand). Cytogenetic location: 17q23.2.
Variant type: Deletion.
Coding change: c.1469del on transcript NM_032043.3 (MANE Select); coding-DNA position 1469, one base deleted (T; older notation c.1469delT).
Protein change: p.Leu490fs; shifts the reading frame from leucine 490.
Molecular consequence: frameshift variant.
Genome position (GRCh38, 1-based): chr17:61,793,601, A deleted on the plus strand (T on the coding strand, the reverse complement: BRIP1 is on the minus strand); the first of 4 consecutive A bases (chr17:61,793,601-61,793,604); deleting any one gives the same sequence. VCF-style (leftmost placement, unchanged base first): chr17-61793600-CA-C. GRCh37 (hg19) VCF-style: chr17-59870961-CA-C.
Other names: c.1469delT (NM_032043.2); short protein forms L490fs.
Identifiers: ClinVar variation 2626402 (VCV002626402.5), dbSNP rs2145238905, ClinGen allele CA2582342215.

ClinVar aggregate classification (germline): Pathogenic. Review status: criteria provided, multiple submitters, no conflicts (2 of 4 stars). 2 submissions from 2 submitters: Pathogenic (2). Last evaluated 2023-09-12.

Conditions:
Fanconi anemia complementation group J. Also called: BRIP1-Related Fanconi Anemia. Identifiers: Orphanet 84, MedGen C1836860, MONDO:0012187, OMIM 609054.
Familial cancer of breast. Also called: Hereditary breast cancer; hereditary breast carcinoma; BREAST CANCER, FAMILIAL. Identifiers: Orphanet 227535, MedGen C0346153, MONDO:0016419, OMIM 114480. Disease mechanism: loss of function.
Hereditary cancer-predisposing syndrome. Also called: Tumor predisposition; Neoplastic Syndromes, Hereditary; Hereditary Cancer Syndrome; Hereditary neoplastic syndrome. Identifiers: Orphanet 140162, MedGen C0027672, MeSH D009386, MONDO:0015356.

Submissions (2):

Ambry Genetics
Classification: Pathogenic for Hereditary cancer-predisposing syndrome. Last evaluated: 2023-09-12. Review status: criteria provided, single submitter. Criteria: Ambry Variant Classification Scheme 2023. Collection method: clinical testing. Allele origin: germline.
Comment: The c.1469delT pathogenic mutation, located in coding exon 9 of the BRIP1 gene, results from a deletion of one nucleotide at nucleotide position 1469, causing a translational frameshift with a predicted alternate stop codon (p.L490Cfs*36). This alteration is expected to result in loss of function by premature protein truncation or nonsense-mediated mRNA decay. As such, this alteration is interpreted as a disease-causing mutation.

Labcorp Genetics (formerly Invitae), Labcorp
Classification: Pathogenic for Familial cancer of breast; Fanconi anemia complementation group J. Last evaluated: 2023-07-28. Review status: criteria provided, single submitter. Criteria: Invitae Variant Classification Sherloc (09022015). Collection method: clinical testing. Allele origin: germline.
Comment: For these reasons, this variant has been classified as Pathogenic. This variant has not been reported in the literature in individuals affected with BRIP1-related conditions. This variant is not present in population databases (gnomAD no frequency). This sequence change creates a premature translational stop signal (p.Leu490Cysfs*36) in the BRIP1 gene. It is expected to result in an absent or disrupted protein product. Loss-of-function variants in BRIP1 are known to be pathogenic (PMID: 16116423, 17033622, 21964575).

Literature cited by the submitters: PubMed 16116423 (cited by Labcorp Genetics (formerly Invitae), Labcorp); PubMed 17033622 (cited by Labcorp Genetics (formerly Invitae), Labcorp); PubMed 21964575 (cited by Labcorp Genetics (formerly Invitae), Labcorp).